The following continues an entry in ClinVar:

NM_003193.5(TBCE):c.560+5G>A

Gene: TBCE. ClinVar aggregate classification (germline): Benign. Benign (5).

Submissions 32 to 59 of 59:

Dr. Peter K. Rogan Lab, Western University
No classification provided (evidence only). Condition: Uterine carcinosarcoma. Review status: no classification provided. Collection method: in vitro. Allele origin: not applicable. Functional consequence: retained intron. Not counted in ClinVar's aggregate classification.

Dr. Peter K. Rogan Lab, Western University
No classification provided (evidence only). Condition: Uveal melanoma. Review status: no classification provided. Collection method: in vitro. Allele origin: not applicable. Functional consequence: retained intron. Not counted in ClinVar's aggregate classification.

Dr. Peter K. Rogan Lab, Western University
No classification provided (evidence only). Condition: Chronic lymphocytic leukemia/small lymphocytic lymphoma. Review status: no classification provided. Collection method: in vitro. Allele origin: not applicable. Functional consequence: retained intron. Not counted in ClinVar's aggregate classification.

Dr. Peter K. Rogan Lab, Western University
No classification provided (evidence only). Condition: Chronic lymphocytic leukemia/small lymphocytic lymphoma. Review status: no classification provided. Collection method: in vitro. Allele origin: not applicable. Functional consequence: retained intron. Not counted in ClinVar's aggregate classification.

Dr. Peter K. Rogan Lab, Western University
No classification provided (evidence only). Condition: Chronic lymphocytic leukemia/small lymphocytic lymphoma. Review status: no classification provided. Collection method: in vitro. Allele origin: not applicable. Functional consequence: retained intron. Not counted in ClinVar's aggregate classification.

Dr. Peter K. Rogan Lab, Western University
No classification provided (evidence only). Condition: Chronic lymphocytic leukemia/small lymphocytic lymphoma. Review status: no classification provided. Collection method: in vitro. Allele origin: not applicable. Functional consequence: retained intron. Not counted in ClinVar's aggregate classification.

Dr. Peter K. Rogan Lab, Western University
No classification provided (evidence only). Condition: Chronic lymphocytic leukemia/small lymphocytic lymphoma. Review status: no classification provided. Collection method: in vitro. Allele origin: not applicable. Functional consequence: retained intron. Not counted in ClinVar's aggregate classification.

Dr. Peter K. Rogan Lab, Western University
No classification provided (evidence only). Condition: Chronic lymphocytic leukemia/small lymphocytic lymphoma. Review status: no classification provided. Collection method: in vitro. Allele origin: not applicable. Functional consequence: retained intron. Not counted in ClinVar's aggregate classification.

Dr. Peter K. Rogan Lab, Western University
No classification provided (evidence only). Condition: Chronic lymphocytic leukemia/small lymphocytic lymphoma. Review status: no classification provided. Collection method: in vitro. Allele origin: not applicable. Functional consequence: retained intron. Not counted in ClinVar's aggregate classification.

Dr. Peter K. Rogan Lab, Western University
No classification provided (evidence only). Condition: Chronic lymphocytic leukemia/small lymphocytic lymphoma. Review status: no classification provided. Collection method: in vitro. Allele origin: not applicable. Functional consequence: retained intron. Not counted in ClinVar's aggregate classification.

Dr. Peter K. Rogan Lab, Western University
No classification provided (evidence only). Condition: Chronic lymphocytic leukemia/small lymphocytic lymphoma. Review status: no classification provided. Collection method: in vitro. Allele origin: not applicable. Functional consequence: retained intron. Not counted in ClinVar's aggregate classification.

Dr. Peter K. Rogan Lab, Western University
No classification provided (evidence only). Condition: Nonpapillary renal cell carcinoma. Review status: no classification provided. Collection method: in vitro. Allele origin: not applicable. Functional consequence: retained intron. Not counted in ClinVar's aggregate classification.

Dr. Peter K. Rogan Lab, Western University
No classification provided (evidence only). Condition: Nonpapillary renal cell carcinoma. Review status: no classification provided. Collection method: in vitro. Allele origin: not applicable. Functional consequence: retained intron. Not counted in ClinVar's aggregate classification.

Dr. Peter K. Rogan Lab, Western University
No classification provided (evidence only). Condition: Nonpapillary renal cell carcinoma. Review status: no classification provided. Collection method: in vitro. Allele origin: not applicable. Functional consequence: retained intron. Not counted in ClinVar's aggregate classification.

Dr. Peter K. Rogan Lab, Western University
No classification provided (evidence only). Condition: Nonpapillary renal cell carcinoma. Review status: no classification provided. Collection method: in vitro. Allele origin: not applicable. Functional consequence: retained intron. Not counted in ClinVar's aggregate classification.

Dr. Peter K. Rogan Lab, Western University
No classification provided (evidence only). Condition: Nonpapillary renal cell carcinoma. Review status: no classification provided. Collection method: in vitro. Allele origin: not applicable. Functional consequence: retained intron. Not counted in ClinVar's aggregate classification.

Dr. Peter K. Rogan Lab, Western University
No classification provided (evidence only). Condition: Nonpapillary renal cell carcinoma. Review status: no classification provided. Collection method: in vitro. Allele origin: not applicable. Functional consequence: retained intron. Not counted in ClinVar's aggregate classification.

Dr. Peter K. Rogan Lab, Western University
No classification provided (evidence only). Condition: Nonpapillary renal cell carcinoma. Review status: no classification provided. Collection method: in vitro. Allele origin: not applicable. Functional consequence: retained intron. Not counted in ClinVar's aggregate classification.

Dr. Peter K. Rogan Lab, Western University
No classification provided (evidence only). Condition: Nonpapillary renal cell carcinoma. Review status: no classification provided. Collection method: in vitro. Allele origin: not applicable. Functional consequence: retained intron. Not counted in ClinVar's aggregate classification.

Dr. Peter K. Rogan Lab, Western University
No classification provided (evidence only). Condition: Familial pancreatic carcinoma. Review status: no classification provided. Collection method: in vitro. Allele origin: not applicable. Functional consequence: retained intron. Not counted in ClinVar's aggregate classification.

Dr. Peter K. Rogan Lab, Western University
No classification provided (evidence only). Condition: Familial pancreatic carcinoma. Review status: no classification provided. Collection method: in vitro. Allele origin: not applicable. Functional consequence: retained intron. Not counted in ClinVar's aggregate classification.

Dr. Peter K. Rogan Lab, Western University
No classification provided (evidence only). Condition: Familial pancreatic carcinoma. Review status: no classification provided. Collection method: in vitro. Allele origin: not applicable. Functional consequence: retained intron. Not counted in ClinVar's aggregate classification.

Dr. Peter K. Rogan Lab, Western University
No classification provided (evidence only). Condition: Familial pancreatic carcinoma. Review status: no classification provided. Collection method: in vitro. Allele origin: not applicable. Functional consequence: retained intron. Not counted in ClinVar's aggregate classification.

Dr. Peter K. Rogan Lab, Western University
No classification provided (evidence only). Condition: Familial pancreatic carcinoma. Review status: no classification provided. Collection method: in vitro. Allele origin: not applicable. Functional consequence: retained intron. Not counted in ClinVar's aggregate classification.

Dr. Peter K. Rogan Lab, Western University
No classification provided (evidence only). Condition: Familial pancreatic carcinoma. Review status: no classification provided. Collection method: in vitro. Allele origin: not applicable. Functional consequence: retained intron. Not counted in ClinVar's aggregate classification.

Dr. Peter K. Rogan Lab, Western University
No classification provided (evidence only). Condition: Familial pancreatic carcinoma. Review status: no classification provided. Collection method: in vitro. Allele origin: not applicable. Functional consequence: retained intron. Not counted in ClinVar's aggregate classification.

Dr. Peter K. Rogan Lab, Western University
No classification provided (evidence only). Condition: Familial pancreatic carcinoma. Review status: no classification provided. Collection method: in vitro. Allele origin: not applicable. Functional consequence: retained intron. Not counted in ClinVar's aggregate classification.

Dr. Peter K. Rogan Lab, Western University
No classification provided (evidence only). Condition: Familial pancreatic carcinoma. Review status: no classification provided. Collection method: in vitro. Allele origin: not applicable. Functional consequence: retained intron. Not counted in ClinVar's aggregate classification.